The following is an entry in ClinVar:

NM_000252.3(MTM1):c.1244G>A (p.Gly415Glu)

Gene: MTM1 (myotubularin 1; plus strand). Cytogenetic location: Xq28.
Variant type: single nucleotide variant.
Coding change: c.1244G>A on transcript NM_000252.3 (MANE Select); coding-DNA position 1244, G replaced by A.
Protein change: p.Gly415Glu; replaces glycine 415 with glutamic acid.
Molecular consequence: missense variant.
Genome position (GRCh38, 1-based): chrX:150,658,011, G>A. VCF-style: chrX-150658011-G-A. GRCh37 (hg19) VCF-style: chrX-149826484-G-A.
Other names: c.1244G>A, p.Gly415Glu (NM_001376906.1, NM_001376908.1); c.1133G>A, p.Gly378Glu (NM_001376907.1); short protein forms G415E, G378E.
Identifiers: ClinVar variation 158908 (VCV000158908.11), dbSNP rs587783766, ClinGen allele CA271760.
Genomic context (GRCh38, chrX:150,658,011, plus strand): 5'-GCTTCTATAGGAGCATTGAAGGGTTCGAAATACTGGTACAAAAAGAATGGATAAGTTTTG[G>A]ACATAAATTTGCATCTGTGAGTAAACAAAGCTAATTTCTAAAAATAGATCACTACCATTC-3'
Protein context (NP_000243.1, residues 405-425): ILVQKEWISF[Gly415Glu]HKFASRIGHG

ClinVar aggregate classification (germline): Pathogenic/Likely pathogenic. Review status: criteria provided, multiple submitters, no conflicts (2 of 4 stars). 3 submissions from 3 submitters: Pathogenic (1); Likely pathogenic (2). Last evaluated 2023-07-17.

Conditions:
Severe X-linked myotubular myopathy (CNMX). Also called: MYOTUBULAR MYOPATHY 1; X-linked centronuclear myopathy; Myotubular myopathy, X-linked. Identifiers: Orphanet 596, MedGen C0410203, MONDO:0010683, OMIM 310400.

Submissions (3):

Victorian Clinical Genetics Services, Murdoch Childrens Research Institute
Classification: Likely pathogenic for Severe X-linked myotubular myopathy. Last evaluated: 2023-07-17. Review status: criteria provided, single submitter. Criteria: ACMG Guidelines, 2015. Collection method: clinical testing. Allele origin: germline. Inheritance: X-linked recessive inheritance.
Comment: Based on the classification scheme VCGS_Germline_v1.3.4, this variant is classified as Likely pathogenic. Following criteria are met: 0102 - Loss of function is a known mechanism of disease in this gene and is associated with X-linked centronuclear myopathy (MIM#310400). (I) 0109 - This gene is associated with X-linked recessive disease; however, manifesting female carriers of pathogenic variants who present with a range of clinical severity and skewed X-inactivation are increasingly being reported (GeneReviews, PMID: 28685322). (I) 0115 - Variants in this gene are known to have variable expressivity. Female carriers of pathogenic variants have been reported with a range of clinical severity, ranging from severe neonatal and generalized weakness, to milder adult forms (PMID: 28685322). (I) 0200 - Variant is predicted to result in a missense amino acid change from glycine to glutamic acid. (I) 0251 - This variant is heterozygous. (I) 0301 - Variant is absent from gnomAD (both v2 and v3). (SP) 0501 - Missense variant consistently predicted to be damaging by multiple in silico tools and highly conserved with a major amino acid change. (SP) 0600 - Variant is located in the annotated myotubularin-like phosphatase domain (DECIPHER). (I) 0704 – Another missense variant comparable to the one identified in this case has limited previous evidence for pathogenicity. The p.(Gly415Val) variant has been identified in one individual with severe myotubular myopathy (PMID: 15725586). (SP) 0803 - This variant has limited previous evidence of pathogenicity in unrelated individuals. This variant has been classified once as likely pathogenic and once as pathogenic by clinical diagnostic laboratories (ClinVar). (SP) 0905 - No published segregation evidence has been identified for this variant. (I) 1007 - No published functional evidence has been identified for this variant. (I) 1208 - Inheritance information for this variant is not currently available in this individual. (I) Legend: (SP) - Supporting pathogenic, (I) - Information, (SB) - Supporting benign

GeneDx
Classification: Likely pathogenic. Last evaluated: 2021-08-24. Review status: criteria provided, single submitter. Criteria: GeneDx Variant Classification Process June 2021. Collection method: clinical testing. Allele origin: germline. Affected: yes.
Comment: Has been reported previously as pathogenic/likely pathogenic variant in association with myotubular myopathy, however, additional information was not provided (Penon et al., 2018); Different missense variant at the same residue, G415V, was identified in a patient with a severe MTM1-related disorder, however, specific clinical and family segregation information was not included (Tsai et al., 2005); This variant is associated with the following publications: (PMID: 30047259)

Genetic Services Laboratory, University of Chicago
Classification: Pathogenic for Myotubular myopathy, X-linked. Last evaluated: 2013-02-08. Review status: criteria provided, single submitter. Criteria: ACMG Guidelines, 2007. Collection method: clinical testing. Allele origin: germline. Inheritance: X-linked inheritance. Affected: yes.

Literature cited by the submitters: PubMed 15725586 (cited by Victorian Clinical Genetics Services, Murdoch Childrens Research Institute); PubMed 28685322 (cited by Victorian Clinical Genetics Services, Murdoch Childrens Research Institute).